The following is an entry in ClinVar:

NM_001457.4(FLNB):c.1859T>A (p.Ile620Asn)

Gene: FLNB (filamin B; plus strand). Cytogenetic location: 3p14.3.
Variant type: single nucleotide variant.
Coding change: c.1859T>A on transcript NM_001457.4 (MANE Select); coding-DNA position 1859, T replaced by A.
Protein change: p.Ile620Asn; replaces isoleucine 620 with asparagine.
Molecular consequence: missense variant.
Genome position (GRCh38, 1-based): chr3:58,106,791, T>A. VCF-style: chr3-58106791-T-A. GRCh37 (hg19) VCF-style: chr3-58092518-T-A.
Other names: c.1859T>A, p.Ile620Asn (NM_001164317.2, NM_001164318.2, NM_001164319.2); short protein forms I620N.
Identifiers: ClinVar variation 1326698 (VCV001326698.2), dbSNP rs2107107153, ClinGen allele CA353340690.

ClinVar aggregate classification (germline): Uncertain significance (1 of 4 stars; one submission).

Submission:

GeneDx
Classification: Uncertain significance. Last evaluated: 2021-05-24. Review status: criteria provided, single submitter. Criteria: GeneDx Variant Classification Process June 2021. Collection method: clinical testing. Allele origin: germline. Affected: yes.
Comment: Not observed at significant frequency in large population cohorts (Lek et al., 2016); In silico analysis supports that this missense variant has a deleterious effect on protein structure/function; Has not been previously published as pathogenic or benign to our knowledge